The following is an entry in ClinVar:

NM_001035.3(RYR2):c.4224T>G (p.Asp1408Glu)

Gene: RYR2 (ryanodine receptor 2; plus strand). Cytogenetic location: 1q43.
Variant type: single nucleotide variant.
Coding change: c.4224T>G on transcript NM_001035.3 (MANE Select); coding-DNA position 4224, T replaced by G.
Protein change: p.Asp1408Glu; replaces aspartic acid 1408 with glutamic acid.
Molecular consequence: missense variant.
Genome position (GRCh38, 1-based): chr1:237,591,802, T>G. VCF-style: chr1-237591802-T-G. GRCh37 (hg19) VCF-style: chr1-237755102-T-G.
Other names: short protein forms D1408E.
Identifiers: ClinVar variation 4749687 (VCV004749687.1).

ClinVar aggregate classification (germline): Uncertain significance (1 of 4 stars; one submission).

Conditions:
Catecholaminergic polymorphic ventricular tachycardia 1. Also called: VENTRICULAR TACHYCARDIA, CATECHOLAMINERGIC POLYMORPHIC, 1, WITH OR WITHOUT ATRIAL DYSFUNCTION AND/OR DILATED CARDIOMYOPATHY; RYR2-Related Catecholaminergic Polymorphic Ventricular Tachycardia; VENTRICULAR TACHYCARDIA, STRESS-INDUCED POLYMORPHIC 1. Identifiers: Orphanet 3286, MedGen C1631597, MONDO:0011484, OMIM 604772.

gnomAD v4.1: 3 of 1,613,804 alleles (0.00019%); highest among the groups gnomAD compares: Non-Finnish European, 0.00025%; no homozygotes.

Submission:

Labcorp Genetics (formerly Invitae), Labcorp
Classification: Uncertain significance for Catecholaminergic polymorphic ventricular tachycardia 1. Last evaluated: 2025-09-12. Review status: criteria provided, single submitter. Criteria: Invitae Variant Classification Sherloc (09022015). Collection method: clinical testing. Allele origin: germline.
Comment: This sequence change replaces aspartic acid, which is acidic and polar, with glutamic acid, which is acidic and polar, at codon 1408 of the RYR2 protein (p.Asp1408Glu). This variant is not present in population databases (gnomAD no frequency). This variant has not been reported in the literature in individuals affected with RYR2-related conditions. Invitae Evidence Modeling of protein sequence and biophysical properties (such as structural, functional, and spatial information, amino acid conservation, physicochemical variation, residue mobility, and thermodynamic stability) indicates that this missense variant is not expected to disrupt RYR2 protein function with a negative predictive value of 95%. In summary, the available evidence is currently insufficient to determine the role of this variant in disease. Therefore, it has been classified as a Variant of Uncertain Significance.